The following is an entry in ClinVar:

ClinVar aggregate classification (germline): Pathogenic (1 of 4 stars; one submission).

Conditions:
Inherited ovarian cancer (without breast cancer).

Submission:

Cambridge Genomics Laboratory, East Genomic Laboratory Hub, NHS Genomic Medicine Service
Classification: Pathogenic for Inherited ovarian cancer (without breast cancer). Last evaluated: 2026-09-03. Review status: criteria provided, single submitter. Criteria: ACGS Best Practice Guidelines for Variant Classification in Rare Disease 2020. Collection method: clinical testing. Allele origin: germline. Affected: yes.
Comment: PVS1,PM2,PM5_Supporting

NM_032043.3(BRIP1):c.2569dup (p.Ile857fs)

Gene: BRIP1 (BRCA1 interacting DNA helicase 1; minus strand). Cytogenetic location: 17q23.2.
Variant type: Duplication.
Coding change: c.2569dup on transcript NM_032043.3 (MANE Select); coding-DNA position 2569, one base duplicated (A; older notation c.2569dupA).
Protein change: p.Ile857fs; shifts the reading frame from isoleucine 857.
Molecular consequence: frameshift variant.
Genome position (GRCh38, 1-based): chr17:61,693,436, T duplicated on the plus strand (A on the coding strand, the reverse complement: BRIP1 is on the minus strand). VCF-style (leftmost placement, unchanged base first): chr17-61693435-A-AT. GRCh37 (hg19) VCF-style: chr17-59770796-A-AT.
Other names: short protein forms I857fs.
Identifiers: ClinVar variation 4890888 (VCV004890888.1).
Genomic context (GRCh38, chr17:61,693,435, plus strand): 5'-ATAAAAATATGAAGATTGTTACTAGTTTTTACTCTAAGCCCAGCTGAGATCTTACCAGAT[A>AT]TATAGCGACTTGGGTTATTCCTAAAGCGATCATCCACTAGAATAAGAGCTCCCCAATCAT-3'